The following is an entry in ClinVar:

ClinVar aggregate classification (germline): Uncertain significance. Review status: criteria provided, multiple submitters, no conflicts (2 of 4 stars). 3 submissions from 3 submitters: Uncertain significance (2). 1 of the submissions does not count toward it. Last evaluated 2023-04-20.

Conditions:
Late-infantile neuronal ceroid lipofuscinosis. Also called: Jansky-Bielschowsky disease. Identifiers: MedGen C0022340, MONDO:0015674.
Inborn genetic diseases. Identifiers: MedGen C0950123, MeSH D030342.
Neuronal ceroid lipofuscinosis 7 (CLN7). Also called: MFSD8-Related Neuronal Ceroid-Lipofuscinosis. Identifiers: Orphanet 168491, Orphanet 228366, MedGen C1838571, MONDO:0012588, OMIM 610951.

Allele frequency attached by ClinVar (database versions not stated): TOPMed 0.00002.
gnomAD v4.1: 1 of 1,613,678 alleles (0.000062%); no homozygotes.

Submissions (3):

Ambry Genetics
Classification: Uncertain significance for Inborn genetic diseases. Last evaluated: 2023-04-20. Review status: criteria provided, single submitter. Criteria: Ambry Variant Classification Scheme 2023. Collection method: clinical testing. Allele origin: germline.

Labcorp Genetics (formerly Invitae), Labcorp
Classification: Uncertain significance for Neuronal ceroid lipofuscinosis 7. Last evaluated: 2022-02-24. Review status: criteria provided, single submitter. Criteria: Invitae Variant Classification Sherloc (09022015). Collection method: clinical testing. Allele origin: germline.
Comment: This sequence change replaces isoleucine, which is neutral and non-polar, with valine, which is neutral and non-polar, at codon 181 of the MFSD8 protein (p.Ile181Val). This variant is not present in population databases (gnomAD no frequency). This variant has not been reported in the literature in individuals affected with MFSD8-related conditions. ClinVar contains an entry for this variant (Variation ID: 838564). Algorithms developed to predict the effect of missense changes on protein structure and function (SIFT, PolyPhen-2, Align-GVGD) all suggest that this variant is likely to be tolerated. In summary, the available evidence is currently insufficient to determine the role of this variant in disease. Therefore, it has been classified as a Variant of Uncertain Significance.

Natera, Inc.
Classification: Uncertain significance for Late-infantile neuronal ceroid lipofuscinosis. Last evaluated: 2020-09-16. Review status: no assertion criteria provided. Collection method: clinical testing. Allele origin: germline. Not counted in ClinVar's aggregate classification.

NM_001371596.2(MFSD8):c.541A>G (p.Ile181Val)

Gene: MFSD8 (major facilitator superfamily domain containing 8; minus strand). Cytogenetic location: 4q28.2.
Variant type: single nucleotide variant.
Coding change: c.541A>G on transcript NM_001371596.2 (MANE Select); coding-DNA position 541, A replaced by G.
Protein change: p.Ile181Val; replaces isoleucine 181 with valine.
Molecular consequence: missense variant. On other transcripts: intron variant (4).
Genome position (GRCh38, 1-based): chr4:127,942,057, T>C on the plus strand (A>G on the coding strand, the complement: MFSD8 is on the minus strand). VCF-style: chr4-127942057-T-C. GRCh37 (hg19) VCF-style: chr4-128863212-T-C.
Other names: c.541A>G, p.Ile181Val (NM_001363520.3, NM_001371591.2, NM_001371592.2 and 2 more transcripts); c.406A>G, p.Ile136Val (NM_001371590.2, NM_001371595.1); c.304+1695A>G (NM_001410765.1); c.439+1695A>G (NM_001363521.3, NM_001410766.1, NM_001371593.2); short protein forms I181V, I136V.
Identifiers: ClinVar variation 838564 (VCV000838564.8), dbSNP rs770057458, ClinGen allele CA358176034.